The following is an entry in ClinVar:

ClinVar aggregate classification (germline): Uncertain significance (1 of 4 stars; one submission).

Conditions:
Inborn genetic diseases. Identifiers: MedGen C0950123, MeSH D030342.

gnomAD v4.1: 1 of 1,613,882 alleles (0.000062%); highest among the groups gnomAD compares: East Asian, 0.0022%; no homozygotes.

Submission:

Ambry Genetics
Classification: Uncertain significance for Inborn genetic diseases. Last evaluated: 2025-05-02. Review status: criteria provided, single submitter. Criteria: Ambry Variant Classification Scheme 2023. Collection method: clinical testing. Allele origin: germline.
Comment: The p.C1141Y variant (also known as c.3422G>A), located in coding exon 1 of the SAMD9L gene, results from a G to A substitution at nucleotide position 3422. The cysteine at codon 1141 is replaced by tyrosine, an amino acid with highly dissimilar properties. This amino acid position is conserved. In addition, this alteration is predicted to be tolerated by in silico analysis. Based on the available evidence, the clinical significance of this variant remains unclear.

NM_152703.5(SAMD9L):c.3422G>A (p.Cys1141Tyr)

Gene: SAMD9L (sterile alpha motif domain containing 9 like; minus strand). Cytogenetic location: 7q21.2.
Variant type: single nucleotide variant.
Coding change: c.3422G>A on transcript NM_152703.5 (MANE Select); coding-DNA position 3422, G replaced by A.
Protein change: p.Cys1141Tyr; replaces cysteine 1141 with tyrosine.
Molecular consequence: missense variant.
Genome position (GRCh38, 1-based): chr7:93,132,550, C>T on the plus strand (G>A on the coding strand, the complement: SAMD9L is on the minus strand). VCF-style: chr7-93132550-C-T. GRCh37 (hg19) VCF-style: chr7-92761863-C-T.
Other names: c.3422G>A, p.Cys1141Tyr (NM_001303496.3, NM_001303497.3, NM_001303498.3 and 5 more transcripts); short protein forms C1141Y.
Identifiers: ClinVar variation 3949891 (VCV003949891.1).